The following is an entry in ClinVar:

NM_003737.4(DCHS1):c.4259T>C (p.Leu1420Pro)

Gene: DCHS1 (dachsous cadherin-related 1; minus strand). Cytogenetic location: 11p15.4.
Variant type: single nucleotide variant.
Coding change: c.4259T>C on transcript NM_003737.4 (MANE Select); coding-DNA position 4259, T replaced by C.
Protein change: p.Leu1420Pro; replaces leucine 1420 with proline.
Molecular consequence: missense variant.
Genome position (GRCh38, 1-based): chr11:6,630,535, A>G on the plus strand (T>C on the coding strand, the complement: DCHS1 is on the minus strand). VCF-style: chr11-6630535-A-G. GRCh37 (hg19) VCF-style: chr11-6651766-A-G.
Other names: short protein forms L1420P.
Identifiers: ClinVar variation 4806198 (VCV004806198.1).

ClinVar aggregate classification (germline): Uncertain significance (1 of 4 stars; one submission).

Submission:

Labcorp Genetics (formerly Invitae), Labcorp
Classification: Uncertain significance. Last evaluated: 2025-06-23. Review status: criteria provided, single submitter. Criteria: Invitae Variant Classification Sherloc (09022015). Collection method: clinical testing. Allele origin: germline.
Comment: This sequence change replaces leucine, which is neutral and non-polar, with proline, which is neutral and non-polar, at codon 1420 of the DCHS1 protein (p.Leu1420Pro). This variant is not present in population databases (gnomAD no frequency). This variant has not been reported in the literature in individuals affected with DCHS1-related conditions. Invitae Evidence Modeling of protein sequence and biophysical properties (such as structural, functional, and spatial information, amino acid conservation, physicochemical variation, residue mobility, and thermodynamic stability) indicates that this missense variant is not expected to disrupt DCHS1 protein function with a negative predictive value of 80%. In summary, the available evidence is currently insufficient to determine the role of this variant in disease. Therefore, it has been classified as a Variant of Uncertain Significance.